The following is an entry in ClinVar:

ClinVar aggregate classification (germline): Uncertain significance. Review status: criteria provided, multiple submitters, no conflicts (2 of 4 stars). 2 submissions from 2 submitters: Uncertain significance (2). Last evaluated 2024-09-30.

Conditions:
Hereditary cancer-predisposing syndrome. Also called: Hereditary neoplastic syndrome; Neoplastic Syndromes, Hereditary; Hereditary Cancer Syndrome; Tumor predisposition. Identifiers: Orphanet 140162, MedGen C0027672, MeSH D009386, MONDO:0015356.
Familial adenomatous polyposis 1 (FAP1). Also called: POLYPOSIS, ADENOMATOUS INTESTINAL; FAMILIAL ADENOMATOUS POLYPOSIS 1, ATTENUATED. Identifiers: MedGen C2713442, MONDO:0021056, OMIM 175100. Disease mechanism: loss of function.

Submissions (2):

Ambry Genetics
Classification: Uncertain significance for Hereditary cancer-predisposing syndrome. Last evaluated: 2024-09-30. Review status: criteria provided, single submitter. Criteria: Ambry Variant Classification Scheme 2023. Collection method: clinical testing. Allele origin: germline.
Comment: The p.R197S variant (also known as c.591A>T), located in coding exon 5 of the APC gene, results from an A to T substitution at nucleotide position 591. The arginine at codon 197 is replaced by serine, an amino acid with dissimilar properties. This amino acid position is conserved. In addition, in silico predictors for this gene do not accurately predict pathogenicity. Based on the available evidence, the clinical significance of this variant remains unclear.

Labcorp Genetics (formerly Invitae), Labcorp
Classification: Uncertain significance for Familial adenomatous polyposis 1. Last evaluated: 2019-11-12. Review status: criteria provided, single submitter. Criteria: Invitae Variant Classification Sherloc (09022015). Collection method: clinical testing. Allele origin: germline.
Comment: In summary, the available evidence is currently insufficient to determine the role of this variant in disease. Therefore, it has been classified as a Variant of Uncertain Significance. Algorithms developed to predict the effect of missense changes on protein structure and function are either unavailable or do not agree on the potential impact of this missense change (SIFT: "Tolerated"; PolyPhen-2: "Probably Damaging"; Align-GVGD: "Class C15"). This variant has not been reported in the literature in individuals with APC-related conditions. This variant is not present in population databases (ExAC no frequency). This sequence change replaces arginine with serine at codon 197 of the APC protein (p.Arg197Ser). The arginine residue is highly conserved and there is a moderate physicochemical difference between arginine and serine.

NM_000038.6(APC):c.591A>T (p.Arg197Ser)

Gene: APC (APC regulator of Wnt signaling pathway; plus strand). Cytogenetic location: 5q22.2.
Variant type: single nucleotide variant.
Coding change: c.591A>T on transcript NM_000038.6 (MANE Select); coding-DNA position 591, A replaced by T.
Protein change: p.Arg197Ser; replaces arginine 197 with serine.
Molecular consequence: missense variant. On other transcripts: 5 prime UTR variant (1).
Genome position (GRCh38, 1-based): chr5:112,780,849, A>T. VCF-style: chr5-112780849-A-T. GRCh37 (hg19) VCF-style: chr5-112116546-A-T.
Other names: c.591A>T, p.Arg197Ser (NM_001127510.3, NM_001354895.2, NM_001354896.2 and 2 more transcripts); c.621A>T, p.Arg207Ser (NM_001127511.3, NM_001354897.2, NM_001354902.2); c.516A>T, p.Arg172Ser (NM_001354898.2, NM_001354904.2); c.414A>T, p.Arg138Ser (NM_001354900.2, NM_001354901.2, NM_001354905.2); c.-445A>T (NM_001354906.2); short protein forms R207S, R138S, R197S, R172S.
Identifiers: ClinVar variation 965572 (VCV000965572.12), dbSNP rs1758249528, ClinGen allele CA16022629.